The following is an entry in ClinVar:

NM_006567.5(FARS2):c.563A>G (p.Tyr188Cys)

Genes: FARS2 (phenylalanyl-tRNA synthetase 2, mitochondrial; plus strand), LOC126859565 (CDK7 strongly-dependent group 2 enhancer GRCh37_chr6:5368745-5369944; plus strand). Cytogenetic location: 6p25.1.
Variant type: single nucleotide variant.
Coding change: c.563A>G on transcript NM_006567.5 (MANE Select); coding-DNA position 563, A replaced by G.
Protein change: p.Tyr188Cys; replaces tyrosine 188 with cysteine.
Molecular consequence: missense variant. On other transcripts: intron variant (2).
Genome position (GRCh38, 1-based): chr6:5,369,133, A>G. VCF-style: chr6-5369133-A-G. GRCh37 (hg19) VCF-style: chr6-5369366-A-G.
Other names: c.563A>G, p.Tyr188Cys (NM_001318872.2, NM_001374875.1, NM_001374876.1 and 5 more transcripts); c.-340-27500A>G (NM_001375260.1); c.-84-35409A>G (NM_001375259.1); short protein forms Y188C.
Identifiers: ClinVar variation 473312 (VCV000473312.9), dbSNP rs1554169419, ClinGen allele CA362735550.

ClinVar aggregate classification (germline): Uncertain significance (1 of 4 stars; one submission).

Conditions:
Combined oxidative phosphorylation defect type 14. Also called: Combined oxidative phosphorylation deficiency 14. Identifiers: Orphanet 319519, MedGen C4755312, MONDO:0013986, OMIM 614946.

Submission:

Labcorp Genetics (formerly Invitae), Labcorp
Classification: Uncertain significance for Combined oxidative phosphorylation defect type 14. Last evaluated: 2017-10-31. Review status: criteria provided, single submitter. Criteria: Invitae Variant Classification Sherloc (09022015). Collection method: clinical testing. Allele origin: germline.
Comment: This sequence change replaces tyrosine with cysteine at codon 188 of the FARS2 protein (p.Tyr188Cys). The tyrosine residue is highly conserved and there is a large physicochemical difference between tyrosine and cysteine. This variant is not present in population databases (ExAC no frequency). This variant has not been reported in the literature in individuals with a FARS2-related disease. Algorithms developed to predict the effect of missense changes on protein structure and function do not agree on the potential impact of this missense change (SIFT: "Deleterious"; PolyPhen-2: "Probably Damaging"; Align-GVGD: "Class C0"). In summary, this variant has uncertain impact on FARS2 function. The available evidence is currently insufficient to determine its role in disease. Therefore, it has been classified as a Variant of Uncertain Significance.